The following is an entry in ClinVar:

ClinVar aggregate classification (germline): Uncertain significance. Review status: criteria provided, multiple submitters, no conflicts (2 of 4 stars). 2 submissions from 2 submitters: Uncertain significance (2). Last evaluated 2022-12-22.

Conditions:
Hereditary cancer-predisposing syndrome. Also called: Neoplastic Syndromes, Hereditary; Hereditary Cancer Syndrome; Hereditary neoplastic syndrome; Tumor predisposition. Identifiers: Orphanet 140162, MedGen C0027672, MeSH D009386, MONDO:0015356.
Familial adenomatous polyposis 1 (FAP1). Also called: FAMILIAL ADENOMATOUS POLYPOSIS 1, ATTENUATED; POLYPOSIS, ADENOMATOUS INTESTINAL. Identifiers: MedGen C2713442, MONDO:0021056, OMIM 175100. Disease mechanism: loss of function.

Submissions (2):

Ambry Genetics
Classification: Uncertain significance for Hereditary cancer-predisposing syndrome. Last evaluated: 2022-12-22. Review status: criteria provided, single submitter. Criteria: Ambry Variant Classification Scheme 2023. Collection method: clinical testing. Allele origin: germline.
Comment: The p.S306I variant (also known as c.917G>T), located in coding exon 8 of the APC gene, results from a G to T substitution at nucleotide position 917. The serine at codon 306 is replaced by isoleucine, an amino acid with dissimilar properties. This amino acid position is conserved. In addition, in silico predictors for this gene do not accurately predict pathogenicity. Since supporting evidence is limited at this time, the clinical significance of this alteration remains unclear.

Labcorp Genetics (formerly Invitae), Labcorp
Classification: Uncertain significance for Familial adenomatous polyposis 1. Last evaluated: 2021-09-20. Review status: criteria provided, single submitter. Criteria: Invitae Variant Classification Sherloc (09022015). Collection method: clinical testing. Allele origin: germline.
Comment: In summary, the available evidence is currently insufficient to determine the role of this variant in disease. Therefore, it has been classified as a Variant of Uncertain Significance. This sequence change replaces serine with isoleucine at codon 306 of the APC protein (p.Ser306Ile). The serine residue is highly conserved and there is a large physicochemical difference between serine and isoleucine. Algorithms developed to predict the effect of missense changes on protein structure and function (SIFT, PolyPhen-2, Align-GVGD) all suggest that this variant is likely to be disruptive. This variant has not been reported in the literature in individuals affected with APC-related conditions. This variant is not present in population databases (ExAC no frequency).

NM_000038.6(APC):c.917G>T (p.Ser306Ile)

Gene: APC (APC regulator of Wnt signaling pathway; plus strand). Cytogenetic location: 5q22.2.
Variant type: single nucleotide variant.
Coding change: c.917G>T on transcript NM_000038.6 (MANE Select); coding-DNA position 917, G replaced by T.
Protein change: p.Ser306Ile; replaces serine 306 with isoleucine.
Molecular consequence: missense variant.
Genome position (GRCh38, 1-based): chr5:112,815,577, G>T. VCF-style: chr5-112815577-G-T. GRCh37 (hg19) VCF-style: chr5-112151274-G-T.
Other names: c.917G>T (NM_000038.5); c.917G>T, p.Ser306Ile (NM_001127510.3, NM_001354895.2, NM_001354896.2 and 1 more transcripts); c.863G>T, p.Ser288Ile (NM_001127511.3); c.947G>T, p.Ser316Ile (NM_001354897.2, NM_001354902.2); c.842G>T, p.Ser281Ile (NM_001354898.2, NM_001354904.2); c.833G>T, p.Ser278Ile (NM_001354899.2); c.740G>T, p.Ser247Ile (NM_001354900.2, NM_001354901.2, NM_001354905.2); c.68G>T, p.Ser23Ile (NM_001354906.2); short protein forms S23I, S278I, S306I, S247I, S281I, S288I, S316I.
Identifiers: ClinVar variation 1439196 (VCV001439196.7), dbSNP rs2149763906, ClinGen allele CA16023319.